The following is an entry in ClinVar:

NM_004336.5(BUB1):c.152A>G (p.His51Arg)

Gene: BUB1 (BUB1 mitotic checkpoint serine/threonine kinase; minus strand). Cytogenetic location: 2q13.
Variant type: single nucleotide variant.
Coding change: c.152A>G on transcript NM_004336.5 (MANE Select); coding-DNA position 152, A replaced by G.
Protein change: p.His51Arg; replaces histidine 51 with arginine.
Molecular consequence: missense variant.
Genome position (GRCh38, 1-based): chr2:110,674,159, T>C on the plus strand (A>G on the coding strand, the complement: BUB1 is on the minus strand). VCF-style: chr2-110674159-T-C. GRCh37 (hg19) VCF-style: chr2-111431736-T-C.
Other names: c.92A>G, p.His31Arg (NM_001278616.2); c.152A>G, p.His51Arg (NM_001278617.2); short protein forms H31R, H51R.
Identifiers: ClinVar variation 1774579 (VCV001774579.3), dbSNP rs2468038664, ClinGen allele CA348221342.

ClinVar aggregate classification (germline): Uncertain significance (1 of 4 stars; one submission).

Allele frequency attached by ClinVar (database versions not stated): gnomAD exomes below 0.00001.
gnomAD v4.1: 1 of 1,587,626 alleles (0.000063%); highest among the groups gnomAD compares: Middle Eastern, 0.017%; no homozygotes.

Submission:

Ambry Genetics
Classification: Uncertain significance. Last evaluated: 2024-04-16. Review status: criteria provided, single submitter. Criteria: Ambry Variant Classification Scheme 2023. Collection method: clinical testing. Allele origin: germline.
Comment: The p.H51R variant (also known as c.152A>G), located in coding exon 3 of the BUB1 gene, results from an A to G substitution at nucleotide position 152. The histidine at codon 51 is replaced by arginine, an amino acid with highly similar properties. This amino acid position is conserved. In addition, this alteration is predicted to be tolerated by in silico analysis. Since supporting evidence is limited at this time, the clinical significance of this alteration remains unclear.